The following is an entry in ClinVar:

NM_052947.4(ALPK2):c.4136A>C (p.Lys1379Thr)

Genes: ALPK2 (alpha kinase 2; minus strand), LOC126862764 (BRD4-independent group 4 enhancer GRCh37_chr18:56202574-56203773; plus strand). Cytogenetic location: 18q21.31.
Variant type: single nucleotide variant.
Coding change: c.4136A>C on transcript NM_052947.4 (MANE Select); coding-DNA position 4136, A replaced by C.
Protein change: p.Lys1379Thr; replaces lysine 1379 with threonine.
Molecular consequence: missense variant.
Genome position (GRCh38, 1-based): chr18:58,536,051, T>G on the plus strand (A>C on the coding strand, the complement: ALPK2 is on the minus strand). VCF-style: chr18-58536051-T-G. GRCh37 (hg19) VCF-style: chr18-56203283-T-G.
Other names: short protein forms K1379T.
Identifiers: ClinVar variation 1738114 (VCV001738114.2), dbSNP rs2518875380, ClinGen allele CA402564087.

ClinVar aggregate classification (germline): Uncertain significance (1 of 4 stars; one submission).

Submission:

Ambry Genetics
Classification: Uncertain significance. Last evaluated: 2021-12-11. Review status: criteria provided, single submitter. Criteria: Ambry Variant Classification Scheme 2023. Collection method: clinical testing. Allele origin: germline.
Comment: The p.K1379T variant (also known as c.4136A>C), located in coding exon 4 of the ALPK2 gene, results from an A to C substitution at nucleotide position 4136. The lysine at codon 1379 is replaced by threonine, an amino acid with similar properties. This amino acid position is conserved. In addition, this alteration is predicted to be tolerated by in silico analysis. Since supporting evidence is limited at this time, the clinical significance of this alteration remains unclear.